The following is an entry in ClinVar:

ClinVar aggregate classification (germline): Uncertain significance (1 of 4 stars; one submission).

Conditions:
Cystic fibrosis (CF). Also called: MUCOVISCIDOSIS. Identifiers: Orphanet 586, MedGen C0010674, MONDO:0009061, OMIM 219700. Disease mechanism: loss of function.

Submission:

Ambry Genetics
Classification: Uncertain significance for Cystic fibrosis. Last evaluated: 2025-12-09. Review status: criteria provided, single submitter. Criteria: Ambry Variant Classification Scheme 2023. Collection method: clinical testing. Allele origin: germline.
Comment: The p.A1374P variant (also known as c.4120G>C), located in coding exon 25 of the CFTR gene, results from a G to C substitution at nucleotide position 4120. The alanine at codon 1374 is replaced by proline, an amino acid with highly similar properties. This amino acid position is conserved. In addition, this alteration is predicted to be deleterious by in silico analysis. Based on the available evidence, the clinical significance of this variant remains unclear.

NM_000492.4(CFTR):c.4120G>C (p.Ala1374Pro)

Gene: CFTR (CF transmembrane conductance regulator; plus strand). Cytogenetic location: 7q31.2.
Variant type: single nucleotide variant.
Coding change: c.4120G>C on transcript NM_000492.4 (MANE Select); coding-DNA position 4120, G replaced by C.
Protein change: p.Ala1374Pro; replaces alanine 1374 with proline.
Molecular consequence: missense variant.
Genome position (GRCh38, 1-based): chr7:117,664,844, G>C. VCF-style: chr7-117664844-G-C. GRCh37 (hg19) VCF-style: chr7-117304898-G-C.
Other names: short protein forms A1374P.
Identifiers: ClinVar variation 4651604 (VCV004651604.1).